The following is an entry in ClinVar:

NM_001031710.3(KLHL7):c.622T>C (p.Tyr208His)

Gene: KLHL7 (kelch like family member 7; plus strand). Cytogenetic location: 7p15.3.
Variant type: single nucleotide variant.
Coding change: c.622T>C on transcript NM_001031710.3 (MANE Select); coding-DNA position 622, T replaced by C.
Protein change: p.Tyr208His; replaces tyrosine 208 with histidine.
Molecular consequence: missense variant. On other transcripts: non-coding transcript variant (1).
Genome position (GRCh38, 1-based): chr7:23,143,854, T>C. VCF-style: chr7-23143854-T-C. GRCh37 (hg19) VCF-style: chr7-23183473-T-C.
Other names: c.478T>C, p.Tyr160His (NM_018846.5); short protein forms Y160H, Y208H.
Identifiers: ClinVar variation 2762876 (VCV002762876.3), dbSNP rs2534869596, ClinGen allele CA366977391.

ClinVar aggregate classification (germline): Uncertain significance (1 of 4 stars; one submission).

Submission:

Labcorp Genetics (formerly Invitae), Labcorp
Classification: Uncertain significance. Last evaluated: 2023-11-08. Review status: criteria provided, single submitter. Criteria: Invitae Variant Classification Sherloc (09022015). Collection method: clinical testing. Allele origin: germline.
Comment: This sequence change replaces tyrosine, which is neutral and polar, with histidine, which is basic and polar, at codon 208 of the KLHL7 protein (p.Tyr208His). This variant is not present in population databases (gnomAD no frequency). This variant has not been reported in the literature in individuals affected with KLHL7-related conditions. An algorithm developed to predict the effect of missense changes on protein structure and function (PolyPhen-2) suggests that this variant is likely to be disruptive. In summary, the available evidence is currently insufficient to determine the role of this variant in disease. Therefore, it has been classified as a Variant of Uncertain Significance.